The following is an entry in ClinVar:

NM_024577.4(SH3TC2):c.137A>C (p.Gln46Pro)

Gene: SH3TC2 (SH3 domain and tetratricopeptide repeats 2; minus strand). Cytogenetic location: 5q32.
Variant type: single nucleotide variant.
Coding change: c.137A>C on transcript NM_024577.4 (MANE Select); coding-DNA position 137, A replaced by C.
Protein change: p.Gln46Pro; replaces glutamine 46 with proline.
Molecular consequence: missense variant.
Genome position (GRCh38, 1-based): chr5:149,052,156, T>G on the plus strand (A>C on the coding strand, the complement: SH3TC2 is on the minus strand). VCF-style: chr5-149052156-T-G. GRCh37 (hg19) VCF-style: chr5-148431719-T-G.
Other names: p.Gln46Pro; short protein forms Q46P.
Identifiers: ClinVar variation 219741 (VCV000219741.59), dbSNP rs146162276, ClinGen allele CA348097.

ClinVar aggregate classification (germline): Conflicting classifications of pathogenicity. Review status: criteria provided, conflicting classifications (1 of 4 stars). 13 submissions from 12 submitters: Uncertain significance (3); Benign (2); Likely benign (6). 2 of the submissions do not count toward it. Last evaluated 2026-08-01.

Conditions:
Inborn genetic diseases. Identifiers: MedGen C0950123, MeSH D030342.
Charcot-Marie-Tooth disease type 4C (CMT4C). Also called: CMT 4C; CHARCOT-MARIE-TOOTH DISEASE, DEMYELINATING, AUTOSOMAL RECESSIVE, TYPE 4C; Charcot-Marie-Tooth Neuropathy Type 4C (CMT4C); CHARCOT-MARIE-TOOTH DISEASE, DEMYELINATING, TYPE 4C; SH3TC2-Related Hereditary Motor and Sensory Neuropathy. Identifiers: Orphanet 99949, MedGen C1866636, MONDO:0011113, OMIM 601596.
Susceptibility to mononeuropathy of the median nerve, mild. Also called: CARPAL TUNNEL SYNDROME, SUSCEPTIBILITY TO. Identifiers: MedGen C3150596, MONDO:0013237, OMIM 613353.
Charcot-Marie-Tooth disease type 4. Also called: Charcot-Marie-Tooth, Type 4; Charcot-Marie-Tooth disease, type IV. Identifiers: Orphanet 64749, MedGen C4082197, MONDO:0018995.
SH3TC2-related disorder. Also called: SH3TC2-related disorders; SH3TC2-related condition. Identifiers: MedGen CN239303.
Charcot-Marie-Tooth disease. Also called: Charcot-Marie-Tooth Neuropathy; Charcot-Marie-Tooth Hereditary Neuropathy. Identifiers: Orphanet 166, MedGen C0007959, MONDO:0015626.

Allele frequency attached by ClinVar (database versions not stated): 1000 Genomes Project 30x 0.00031; TOPMed 0.00032; 1000 Genomes Project 0.00040; ESP Exome Variant Server 0.00062; gnomAD exomes 0.00063 and 0.00102; ExAC 0.00094; gnomAD 0.00111 and 0.00114.
gnomAD v4.1: 1,071 of 1,611,276 alleles (0.066%); highest among the groups gnomAD compares: Non-Finnish European, 0.048%; 2 homozygotes.

Submissions (13):

CeGaT Center for Human Genetics Tuebingen
Classification: Likely benign. Last evaluated: 2026-08-01. Review status: criteria provided, single submitter. Criteria: CeGaT Center For Human Genetics Tuebingen Variant Classification Criteria Version 2. Collection method: clinical testing. Allele origin: germline. Affected: yes. Observed: 8 variant alleles.
Comment: SH3TC2: BP4, BS1

Labcorp Genetics (formerly Invitae), Labcorp
Classification: Likely benign for Charcot-Marie-Tooth disease type 4. Last evaluated: 2026-01-27. Review status: criteria provided, single submitter. Criteria: Invitae Variant Classification Sherloc (09022015). Collection method: clinical testing. Allele origin: germline.

Mayo Clinic Laboratories, Mayo Clinic
Classification: Likely benign. Last evaluated: 2025-06-27. Review status: criteria provided, single submitter. Criteria: ACMG Guidelines, 2015. Collection method: clinical testing. Allele origin: germline. Observed: 5 variant alleles.
Comment: BS1

Blueprint Genetics
Classification: Likely benign. Last evaluated: 2024-11-21. Review status: criteria provided, single submitter. Criteria: ACMG Guidelines, 2015. Collection method: clinical testing. Allele origin: germline.

GeneDx
Classification: Uncertain significance. Last evaluated: 2024-04-22. Review status: criteria provided, single submitter. Criteria: GeneDx Variant Classification Process June 2021. Collection method: clinical testing. Allele origin: germline. Affected: yes.
Comment: Reported in at least one patient with suspected Charcot-Marie-Tooth disease in published literature; however, the zygosity of the variant was unclear (PMID: 32376792); In silico analysis supports that this missense variant does not alter protein structure/function; This variant is associated with the following publications: (PMID: 21291453, 32376792)

ARUP Laboratories, Molecular Genetics and Genomics, ARUP Laboratories
Classification: Likely benign. Last evaluated: 2023-10-23. Review status: criteria provided, single submitter. Criteria: ARUP Molecular Germline Variant Investigation Process 2024. Collection method: clinical testing. Allele origin: germline.

Ambry Genetics
Classification: Uncertain significance for Inborn genetic diseases. Last evaluated: 2022-01-26. Review status: criteria provided, single submitter. Criteria: Ambry Variant Classification Scheme 2023. Collection method: clinical testing. Allele origin: germline.
Comment: The p.Q46P variant (also known as c.137A>C), located in coding exon 2 of the SH3TC2 gene, results from an A to C substitution at nucleotide position 137. The glutamine at codon 46 is replaced by proline, an amino acid with similar properties. This amino acid position is highly conserved in available vertebrate species. In addition, the in silico prediction for this alteration is inconclusive. Since supporting evidence is limited at this time, the clinical significance of this alteration remains unclear.

Illumina Laboratory Services, Illumina
Classification: Uncertain significance for Susceptibility to mononeuropathy of the median nerve, mild. Last evaluated: 2017-09-06. Review status: criteria provided, single submitter. Criteria: ICSL Variant Classification Criteria 13 December 2019. Collection method: clinical testing. Allele origin: germline.
Comment: This variant was observed as part of a predisposition screen in an ostensibly healthy population. A literature search was performed for the gene, cDNA change, and amino acid change (where applicable). Publications were found based on this search. However, the evidence from the literature, in combination with allele frequency data from public databases where available, was not sufficient to rule this variant in or out of causing disease. Therefore, this variant is classified as a variant of unknown significance.

Illumina Laboratory Services, Illumina
Classification: Benign for Charcot-Marie-Tooth disease type 4C. Last evaluated: 2017-09-06. Review status: criteria provided, single submitter. Criteria: ICSL Variant Classification Criteria 13 December 2019. Collection method: clinical testing. Allele origin: germline.
Comment: This variant was observed as part of a predisposition screen in an ostensibly healthy population. A literature search was performed for the gene, cDNA change, and amino acid change (where applicable). Publications were found based on this search. The evidence from the literature, in combination with allele frequency data from public databases where available, was sufficient to rule this variant out of causing disease. Therefore, this variant is classified as benign.

Eurofins Ntd Llc (ga)
Classification: Benign. Last evaluated: 2016-04-25. Review status: criteria provided, single submitter. Criteria: EGL Classification Definitions 2015. Collection method: clinical testing. Allele origin: germline. Observed: 1 variant allele, 1 heterozygote.

Molecular Genetics Laboratory, London Health Sciences Centre
Classification: Likely benign for Charcot-Marie-Tooth disease. Review status: criteria provided, single submitter. Criteria: ACMG Guidelines, 2015. Collection method: clinical testing. Allele origin: germline. Affected: yes.

PreventionGenetics, part of Exact Sciences
Classification: Benign for SH3TC2-related condition. Last evaluated: 2019-09-10. Review status: no assertion criteria provided. Collection method: clinical testing. Allele origin: germline. Not counted in ClinVar's aggregate classification.
Comment: This variant is classified as benign based on ACMG/AMP sequence variant interpretation guidelines (Richards et al. 2015 PMID: 25741868, with internal and published modifications).

Inherited Neuropathy Consortium
Classification: Uncertain significance for Charcot-Marie-Tooth disease. Review status: no assertion criteria provided. Collection method: literature only. Allele origin: germline. Affected: yes. Not counted in ClinVar's aggregate classification.

Literature cited by the submitters: PubMed 32376792 (cited by Mayo Clinic Laboratories, Mayo Clinic); PubMed 21291453 (cited by Illumina Laboratory Services, Illumina and Inherited Neuropathy Consortium).